The following is an entry in ClinVar:

NM_000264.5(PTCH1):c.2224C>G (p.Pro742Ala)

Genes: PTCH1 (patched 1; minus strand), LOC100507346 (uncharacterized LOC100507346; plus strand). Cytogenetic location: 9q22.32.
Variant type: single nucleotide variant.
Coding change: c.2224C>G on transcript NM_000264.5 (MANE Select); coding-DNA position 2224, C replaced by G.
Protein change: p.Pro742Ala; replaces proline 742 with alanine.
Molecular consequence: missense variant. On other transcripts: non-coding transcript variant (2).
Genome position (GRCh38, 1-based): chr9:95,468,777, G>C on the plus strand (C>G on the coding strand, the complement: PTCH1 is on the minus strand). VCF-style: chr9-95468777-G-C. GRCh37 (hg19) VCF-style: chr9-98231059-G-C.
Other names: c.2026C>G, p.Pro676Ala (NM_001083602.3); c.2221C>G, p.Pro741Ala (NM_001083603.3); c.1771C>G, p.Pro591Ala (NM_001083604.3, NM_001083605.3, NM_001083606.3 and 1 more transcripts); c.2068C>G, p.Pro690Ala (NM_001354918.2); short protein forms P591A, P676A, P690A, P741A, P742A.
Identifiers: ClinVar variation 3230975 (VCV003230975.1), dbSNP rs1588573727, ClinGen allele CA374115257.

ClinVar aggregate classification (germline): Uncertain significance (1 of 4 stars; one submission).

Conditions:
Hereditary cancer-predisposing syndrome. Also called: Neoplastic Syndromes, Hereditary; Tumor predisposition; Hereditary neoplastic syndrome; Hereditary Cancer Syndrome. Identifiers: Orphanet 140162, MedGen C0027672, MeSH D009386, MONDO:0015356.

gnomAD v4.1: 1 of 1,614,172 alleles (0.000062%); highest among the groups gnomAD compares: Non-Finnish European, 0.000085%; no homozygotes.

Submission:

Ambry Genetics
Classification: Uncertain significance for Hereditary cancer-predisposing syndrome. Last evaluated: 2023-11-09. Review status: criteria provided, single submitter. Criteria: Ambry Variant Classification Scheme 2023. Collection method: clinical testing. Allele origin: germline.
Comment: The p.P742A variant (also known as c.2224C>G), located in coding exon 14 of the PTCH1 gene, results from a C to G substitution at nucleotide position 2224. The proline at codon 742 is replaced by alanine, an amino acid with highly similar properties. This amino acid position is conserved. In addition, this alteration is predicted to be deleterious by in silico analysis. Since supporting evidence is limited at this time, the clinical significance of this alteration remains unclear.